The following is an entry in ClinVar:

ClinVar aggregate classification (germline): Pathogenic/Likely pathogenic. Review status: criteria provided, multiple submitters, no conflicts (2 of 4 stars). 3 submissions from 3 submitters: Pathogenic (1); Likely pathogenic (1). 1 of the submissions does not count toward it. Last evaluated 2024-09-21.

Conditions:
Posterior polymorphous corneal dystrophy 3 (PPCD3). Identifiers: Orphanet 98973, MedGen C1836724, MONDO:0012200, OMIM 609141.
Corneal dystrophy, Fuchs endothelial, 6 (FECD6). Identifiers: Orphanet 98974, MedGen C2750448, MONDO:0013206, OMIM 613270.

Submissions (3):

Labcorp Genetics (formerly Invitae), Labcorp
Classification: Likely pathogenic. Last evaluated: 2024-09-21. Review status: criteria provided, single submitter. Criteria: Invitae Variant Classification Sherloc (09022015). Collection method: clinical testing. Allele origin: germline.
Comment: This sequence change affects the initiator methionine of the ZEB1 mRNA. The next in-frame methionine is located at codon 219. This variant is not present in population databases (gnomAD no frequency). Disruption of the initiator codon has been observed in individuals with posterior polymorphous corneal dystrophy (PMID: 17935237, 19997581, 36613650). ClinVar contains an entry for this variant (Variation ID: 488897). In summary, the currently available evidence indicates that the variant is pathogenic, but additional data are needed to prove that conclusively. Therefore, this variant has been classified as Likely Pathogenic.

GeneDx
Classification: Pathogenic. Last evaluated: 2016-04-20. Review status: criteria provided, single submitter. Criteria: GeneDx Variant Classification (06012015). Collection method: clinical testing. Allele origin: germline. Affected: yes.
Comment: The c.3 G>A pathogenic variant in the ZEB1 gene has not been reported previously as a pathogenic variant nor as a benign variant, to our knowledge. The c.3 G>A variant was not observed in approximately 6500 individuals of European and African American ancestry in the NHLBI Exome Sequencing Project, indicating it is not a common benign variant in these populations. As this pathogenic variant changes the translation initiator Methionine codon, the resultant protein is described as p.Met1?, using a question mark to signify that it is not known if the loss of Met1 means that all protein translation is completely prevented or if an abnormal protein is produced using an alternate Methionine. Two other variants in the Met1 position (c.1A>G and c.2T>G) have been reported in the Human Gene Mutation Database in association with posterior polymorphous corneal dystrophy (Stenson et al., 2014). We interpret c.3 G>A as a pathogenic variant. This variant has been seen apparently de novo.

Clinical Genetics Laboratory, University Hospital Schleswig-Holstein
Classification: Likely pathogenic for Corneal dystrophy, Fuchs endothelial, 6; Posterior polymorphous corneal dystrophy 3. Last evaluated: 2023-05-23. Review status: no assertion criteria provided. Collection method: clinical testing. Allele origin: maternal. Affected: yes. Not counted in ClinVar's aggregate classification.

Literature cited by the submitters: PubMed 17935237 (cited by Labcorp Genetics (formerly Invitae), Labcorp); PubMed 19997581 (cited by Labcorp Genetics (formerly Invitae), Labcorp); PubMed 36613650 (cited by Labcorp Genetics (formerly Invitae), Labcorp).

NM_001174096.2(ZEB1):c.3G>A (p.Met1Ile)

Genes: ZEB1 (zinc finger E-box binding homeobox 1; plus strand), ZEB1-AS1 (ZEB1 antisense RNA 1; minus strand), LOC130003630 (ATAC-STARR-seq lymphoblastoid silent region 2275; plus strand). Cytogenetic location: 10p11.22.
Variant type: single nucleotide variant.
Coding change: c.3G>A on transcript NM_001174096.2 (MANE Select); coding-DNA position 3, G replaced by A.
Protein change: p.Met1Ile; changes the start codon (methionine 1).
Molecular consequence: missense variant, initiator codon variant. On other transcripts: 5 prime UTR variant (9), intron variant (7).
Genome position (GRCh38, 1-based): chr10:31,319,237, G>A. VCF-style: chr10-31319237-G-A. GRCh37 (hg19) VCF-style: chr10-31608166-G-A.
Other names: c.3G>A, p.Met1Ile (NM_001174093.2, NM_001174095.2, NM_001323674.2 and 1 more transcripts); c.-795G>A (NM_001323647.2); c.-735G>A (NM_001323648.2); c.-798G>A (NM_001323649.2); c.-1030G>A (NM_001323650.2); c.-698G>A (NM_001323651.2); c.-847G>A (NM_001323652.2); c.-954G>A (NM_001323653.2); and 9 more; short protein forms M1I.
Identifiers: ClinVar variation 488897 (VCV000488897.6), dbSNP rs1554797626, ClinGen allele CA376495163.